The following is an entry in ClinVar:

NM_001621.5(AHR):c.2137A>C (p.Lys713Gln)

Gene: AHR (aryl hydrocarbon receptor; plus strand). Cytogenetic location: 7p21.1.
Variant type: single nucleotide variant.
Coding change: c.2137A>C on transcript NM_001621.5 (MANE Select); coding-DNA position 2137, A replaced by C.
Protein change: p.Lys713Gln; replaces lysine 713 with glutamine.
Molecular consequence: missense variant.
Genome position (GRCh38, 1-based): chr7:17,339,962, A>C. VCF-style: chr7-17339962-A-C. GRCh37 (hg19) VCF-style: chr7-17379586-A-C.
Other names: short protein forms K713Q.
Identifiers: ClinVar variation 1367534 (VCV001367534.6), dbSNP rs773482353, ClinGen allele CA4172235.
Genomic context (GRCh38, chr7:17,339,962, plus strand): 5'-TCTATGCCTTATACACAGAACTTTATTTCCTGTAATCAGCCTGTATTACCACAACATTCC[A>C]AATGTACAGAGCTGGACTACCCTATGGGGAGTTTTGAACCATCCCCATACCCCACTACTT-3'
Protein context (NP_001612.1, residues 703-723): CNQPVLPQHS[Lys713Gln]CTELDYPMGS

ClinVar aggregate classification (germline): Uncertain significance (1 of 4 stars; one submission).

Allele frequency attached by ClinVar (database versions not stated): ExAC 0.00001; gnomAD exomes 0.00001.

Submission:

Labcorp Genetics (formerly Invitae), Labcorp
Classification: Uncertain significance. Last evaluated: 2021-07-28. Review status: criteria provided, single submitter. Criteria: Invitae Variant Classification Sherloc (09022015). Collection method: clinical testing. Allele origin: germline.
Comment: In summary, the available evidence is currently insufficient to determine the role of this variant in disease. Therefore, it has been classified as a Variant of Uncertain Significance. Algorithms developed to predict the effect of missense changes on protein structure and function output the following: SIFT: "Tolerated"; PolyPhen-2: "Benign"; Align-GVGD: "Class C0". The glutamine amino acid residue is found in multiple mammalian species, which suggests that this missense change does not adversely affect protein function. This variant has not been reported in the literature in individuals affected with AHR-related conditions. This variant is present in population databases (rs773482353, ExAC 0.001%). This sequence change replaces lysine with glutamine at codon 713 of the AHR protein (p.Lys713Gln). The lysine residue is moderately conserved and there is a small physicochemical difference between lysine and glutamine.